The following is an entry in ClinVar:

NM_001394372.1(BICRA):c.4354G>A (p.Ala1452Thr)

Gene: BICRA (BRD4 interacting chromatin remodeling complex associated protein; plus strand). Cytogenetic location: 19q13.33.
Variant type: single nucleotide variant.
Coding change: c.4354G>A on transcript NM_001394372.1 (MANE Select); coding-DNA position 4354, G replaced by A.
Protein change: p.Ala1452Thr; replaces alanine 1452 with threonine.
Molecular consequence: missense variant.
Genome position (GRCh38, 1-based): chr19:47,702,086, G>A. VCF-style: chr19-47702086-G-A. GRCh37 (hg19) VCF-style: chr19-48205343-G-A.
Other names: c.4354G>A, p.Ala1452Thr (NM_015711.3); short protein forms A1452T.
Identifiers: ClinVar variation 3047911 (VCV003047911.3), dbSNP rs373460749, ClinGen allele CA9542403.

ClinVar aggregate classification (germline): Uncertain significance. Review status: criteria provided, single submitter (1 of 4 stars). 2 submissions from 2 submitters: Uncertain significance (1). 1 of the submissions does not count toward it. Last evaluated 2022-07-06.

Conditions:
BICRA-related disorder. Also called: BICRA-related condition.

Allele frequency attached by ClinVar (database versions not stated): 1000 Genomes Project 0.00060; 1000 Genomes Project 30x 0.00062; gnomAD 0.00076; ESP Exome Variant Server 0.00097.
gnomAD v4.1: 280 of 1,512,116 alleles (0.019%); highest among the groups gnomAD compares: African/African-American, 0.29%; no homozygotes.

Submissions (2):

Ambry Genetics
Classification: Uncertain significance. Last evaluated: 2022-07-06. Review status: criteria provided, single submitter. Criteria: Ambry Variant Classification Scheme 2023. Collection method: clinical testing. Allele origin: germline.

PreventionGenetics, part of Exact Sciences
Classification: Likely benign for BICRA-related condition. Last evaluated: 2022-01-13. Review status: no assertion criteria provided. Collection method: clinical testing. Allele origin: germline. Not counted in ClinVar's aggregate classification.
Comment: This variant is classified as likely benign based on ACMG/AMP sequence variant interpretation guidelines (Richards et al. 2015 PMID: 25741868, with internal and published modifications).